The following is an entry in ClinVar:

ClinVar aggregate classification (germline): Uncertain significance (1 of 4 stars; one submission).

Allele frequency attached by ClinVar (database versions not stated): TOPMed below 0.00001.

Submission:

Labcorp Genetics (formerly Invitae), Labcorp
Classification: Uncertain significance. Last evaluated: 2024-01-30. Review status: criteria provided, single submitter. Criteria: Invitae Variant Classification Sherloc (09022015). Collection method: clinical testing. Allele origin: germline.
Comment: This sequence change replaces lysine, which is basic and polar, with threonine, which is neutral and polar, at codon 440 of the MICAL1 protein (p.Lys440Thr). This variant is not present in population databases (gnomAD no frequency). This variant has not been reported in the literature in individuals affected with MICAL1-related conditions. An algorithm developed to predict the effect of missense changes on protein structure and function (PolyPhen-2) suggests that this variant is likely to be disruptive. In summary, the available evidence is currently insufficient to determine the role of this variant in disease. Therefore, it has been classified as a Variant of Uncertain Significance.

NM_022765.4(MICAL1):c.1262A>C (p.Lys421Thr)

Gene: MICAL1 (microtubule associated monooxygenase, calponin and LIM domain containing 1; minus strand). Cytogenetic location: 6q21.
Variant type: single nucleotide variant.
Coding change: c.1262A>C on transcript NM_022765.4 (MANE Select); coding-DNA position 1262, A replaced by C.
Protein change: p.Lys421Thr; replaces lysine 421 with threonine.
Molecular consequence: missense variant.
Genome position (GRCh38, 1-based): chr6:109,450,015, T>G on the plus strand (A>C on the coding strand, the complement: MICAL1 is on the minus strand). VCF-style: chr6-109450015-T-G. GRCh37 (hg19) VCF-style: chr6-109771218-T-G.
Other names: c.1004A>C, p.Lys335Thr (NM_001159291.2); c.1319A>C, p.Lys440Thr (NM_001286613.2); short protein forms K335T, K421T, K440T.
Identifiers: ClinVar variation 2830047 (VCV002830047.3), dbSNP rs1775468261, ClinGen allele CA365230533.